The following is an entry in ClinVar:

NM_001035.3(RYR2):c.1385A>C (p.Tyr462Ser)

Gene: RYR2 (ryanodine receptor 2; plus strand). Cytogenetic location: 1q43.
Variant type: single nucleotide variant.
Coding change: c.1385A>C on transcript NM_001035.3 (MANE Select); coding-DNA position 1385, A replaced by C.
Protein change: p.Tyr462Ser; replaces tyrosine 462 with serine.
Molecular consequence: missense variant.
Genome position (GRCh38, 1-based): chr1:237,454,483, A>C. VCF-style: chr1-237454483-A-C. GRCh37 (hg19) VCF-style: chr1-237617783-A-C.
Other names: short protein forms Y462S.
Identifiers: ClinVar variation 1054143 (VCV001054143.10), dbSNP rs2150217492, ClinGen allele CA345380386.
Genomic context (GRCh38, chr1:237,454,483, plus strand): 5'-CTTCCACAGTCGATTTGCCTATAGAGTCCGTAAGCCTAAGTCTGCAGGATCTCATTGGCT[A>C]CTTCCACCCCCCAGATGAGCATTTAGAGCATGAAGACAAACAGAACAGACTACGAGCCCT-3'
Protein context (NP_001026.2, residues 452-472): VSLSLQDLIG[Tyr462Ser]FHPPDEHLEH

ClinVar aggregate classification (germline): Uncertain significance (1 of 4 stars; one submission).

Conditions:
Catecholaminergic polymorphic ventricular tachycardia 1. Also called: VENTRICULAR TACHYCARDIA, STRESS-INDUCED POLYMORPHIC 1; VENTRICULAR TACHYCARDIA, CATECHOLAMINERGIC POLYMORPHIC, 1, WITH OR WITHOUT ATRIAL DYSFUNCTION AND/OR DILATED CARDIOMYOPATHY; RYR2-Related Catecholaminergic Polymorphic Ventricular Tachycardia. Identifiers: Orphanet 3286, MedGen C1631597, MONDO:0011484, OMIM 604772.

Submission:

Labcorp Genetics (formerly Invitae), Labcorp
Classification: Uncertain significance for Catecholaminergic polymorphic ventricular tachycardia 1. Last evaluated: 2020-05-05. Review status: criteria provided, single submitter. Criteria: Invitae Variant Classification Sherloc (09022015). Collection method: clinical testing. Allele origin: germline.
Comment: This variant has been observed in individual(s) who suffered a sudden death (PMID: 29915097). Algorithms developed to predict the effect of missense changes on protein structure and function are either unavailable or do not agree on the potential impact of this missense change (SIFT: "Deleterious"; PolyPhen-2: "Benign"; Align-GVGD: "Class C0"). In summary, the available evidence is currently insufficient to determine the role of this variant in disease. Therefore, it has been classified as a Variant of Uncertain Significance. This variant is not present in population databases (ExAC no frequency). This sequence change replaces tyrosine with serine at codon 462 of the RYR2 protein (p.Tyr462Ser). The tyrosine residue is highly conserved and there is a large physicochemical difference between tyrosine and serine.

Literature cited by the submitters: PubMed 29915097.